The following is an entry in ClinVar:

ClinVar aggregate classification (germline): Uncertain significance (1 of 4 stars; one submission).

Allele frequency attached by ClinVar (database versions not stated): gnomAD exomes below 0.00001; gnomAD 0.00002; 1000 Genomes Project 30x 0.00016; 1000 Genomes Project 0.00020.
gnomAD v4.1: 6 of 1,614,074 alleles (0.00037%); highest among the groups gnomAD compares: East Asian, 0.011%; no homozygotes.

Submission:

Labcorp Genetics (formerly Invitae), Labcorp
Classification: Uncertain significance. Last evaluated: 2024-08-16. Review status: criteria provided, single submitter. Criteria: Invitae Variant Classification Sherloc (09022015). Collection method: clinical testing. Allele origin: germline.
Comment: This sequence change replaces alanine, which is neutral and non-polar, with threonine, which is neutral and polar, at codon 422 of the MUT protein (p.Ala422Thr). This variant is present in population databases (rs186505851, gnomAD 0.05%). This variant has not been reported in the literature in individuals affected with MUT-related conditions. ClinVar contains an entry for this variant (Variation ID: 2158409). Invitae Evidence Modeling of protein sequence and biophysical properties (such as structural, functional, and spatial information, amino acid conservation, physicochemical variation, residue mobility, and thermodynamic stability) has been performed for this missense variant. However, the output from this modeling did not meet the statistical confidence thresholds required to predict the impact of this variant on MUT protein function. In summary, the available evidence is currently insufficient to determine the role of this variant in disease. Therefore, it has been classified as a Variant of Uncertain Significance.

NM_000255.4(MMUT):c.1264G>A (p.Ala422Thr)

Gene: MMUT (methylmalonyl-CoA mutase; minus strand). Cytogenetic location: 6p12.3.
Variant type: single nucleotide variant.
Coding change: c.1264G>A on transcript NM_000255.4 (MANE Select); coding-DNA position 1264, G replaced by A.
Protein change: p.Ala422Thr; replaces alanine 422 with threonine.
Molecular consequence: missense variant.
Genome position (GRCh38, 1-based): chr6:49,451,534, C>T on the plus strand (G>A on the coding strand, the complement: MMUT is on the minus strand). VCF-style: chr6-49451534-C-T. GRCh37 (hg19) VCF-style: chr6-49419247-C-T.
Other names: short protein forms A422T.
Identifiers: ClinVar variation 2158409 (VCV002158409.3), dbSNP rs186505851, ClinGen allele CA3846930.